The following is an entry in ClinVar:

ClinVar aggregate classification (germline): Uncertain significance (1 of 4 stars; one submission).

Submission:

GeneDx
Classification: Uncertain significance. Last evaluated: 2024-05-01. Review status: criteria provided, single submitter. Criteria: GeneDx Variant Classification Process June 2021. Collection method: clinical testing. Allele origin: germline. Affected: yes.
Comment: Not observed at significant frequency in large population cohorts (gnomAD); In silico analysis indicates that this missense variant does not alter protein structure/function; Has not been previously published as pathogenic or benign to our knowledge

NM_001105206.3(LAMA4):c.4552G>A (p.Asp1518Asn)

Gene: LAMA4 (laminin subunit alpha 4; minus strand). Cytogenetic location: 6q21.
Variant type: single nucleotide variant.
Coding change: c.4552G>A on transcript NM_001105206.3 (MANE Select); coding-DNA position 4552, G replaced by A.
Protein change: p.Asp1518Asn; replaces aspartic acid 1518 with asparagine.
Molecular consequence: missense variant.
Genome position (GRCh38, 1-based): chr6:112,120,396, C>T on the plus strand (G>A on the coding strand, the complement: LAMA4 is on the minus strand). VCF-style: chr6-112120396-C-T. GRCh37 (hg19) VCF-style: chr6-112441599-C-T.
Other names: c.4531G>A, p.Asp1511Asn (NM_001105207.3, NM_002290.5); short protein forms D1511N, D1518N.
Identifiers: ClinVar variation 3373397 (VCV003373397.1).